The following is an entry in ClinVar:

ClinVar aggregate classification (germline): Pathogenic (1 of 4 stars; one submission).

Submission:

Labcorp Genetics (formerly Invitae), Labcorp
Classification: Pathogenic. Last evaluated: 2023-09-20. Review status: criteria provided, single submitter. Criteria: Invitae Variant Classification Sherloc (09022015). Collection method: clinical testing. Allele origin: germline.
Comment: This variant is not present in population databases (gnomAD no frequency). This sequence change creates a premature translational stop signal (p.Leu1019Trpfs*6) in the AUTS2 gene. While this is not anticipated to result in nonsense mediated decay, it is expected to disrupt the last 241 amino acid(s) of the AUTS2 protein. This premature translational stop signal has been observed in individual(s) with AUTS2-related conditions (Invitae). In at least one individual the variant was observed to be de novo. For these reasons, this variant has been classified as Pathogenic. Experimental studies and prediction algorithms are not available or were not evaluated, and the functional significance of this variant is currently unknown.

NM_015570.4(AUTS2):c.3055del (p.Leu1019fs)

Gene: AUTS2 (activator of transcription and developmental regulator AUTS2; plus strand). Cytogenetic location: 7q11.22.
Variant type: Deletion.
Coding change: c.3055del on transcript NM_015570.4 (MANE Select); coding-DNA position 3055, one base deleted (C; older notation c.3055delC).
Protein change: p.Leu1019fs; shifts the reading frame from leucine 1019.
Molecular consequence: frameshift variant.
Genome position (GRCh38, 1-based): chr7:70,790,271, C deleted; the last of 4 consecutive C bases (chr7:70,790,268-70,790,271); deleting any one gives the same sequence. VCF-style (leftmost placement, unchanged base first): chr7-70790267-GC-G. GRCh37 (hg19) VCF-style: chr7-70255253-GC-G.
Other names: c.2983del, p.Leu995fs (NM_001127231.3); short protein forms L1019fs, L995fs.
Identifiers: ClinVar variation 2854827 (VCV002854827.3), dbSNP rs2484986541, ClinGen allele CA2739266437.